The following is an entry in ClinVar:

ClinVar aggregate classification (germline): Uncertain significance. Review status: criteria provided, multiple submitters, no conflicts (2 of 4 stars). 2 submissions from 2 submitters: Uncertain significance (2). Last evaluated 2025-12-27.

Conditions:
Marfan syndrome (MFS). Also called: Marfan syndrome type 1; Marfan's syndrome; FBN1-Related Marfan Syndrome; MARFAN SYNDROME, TYPE I; Marfan syndrome, classic. Identifiers: Orphanet 284963, Orphanet 558, MedGen C0024796, MONDO:0007947, OMIM 154700.
Familial thoracic aortic aneurysm and aortic dissection (TAAD). Also called: Thoracic aortic aneurysms and dissections. Identifiers: Orphanet 91387, MedGen C4707243, MONDO:0019625.

gnomAD v4.1: 3 of 1,614,022 alleles (0.00019%); highest among the groups gnomAD compares: Non-Finnish European, 0.00025%; no homozygotes.

Submissions (2):

Labcorp Genetics (formerly Invitae), Labcorp
Classification: Uncertain significance for Marfan syndrome; Familial thoracic aortic aneurysm and aortic dissection. Last evaluated: 2025-12-27. Review status: criteria provided, single submitter. Criteria: Invitae Variant Classification Sherloc (09022015). Collection method: clinical testing. Allele origin: germline.
Comment: This sequence change replaces glycine, which is neutral and non-polar, with alanine, which is neutral and non-polar, at codon 301 of the FBN1 protein (p.Gly301Ala). This variant is not present in population databases (gnomAD no frequency). This variant has not been reported in the literature in individuals affected with FBN1-related conditions. ClinVar contains an entry for this variant (Variation ID: 1373031). Invitae Evidence Modeling of protein sequence and biophysical properties (such as structural, functional, and spatial information, amino acid conservation, physicochemical variation, residue mobility, and thermodynamic stability) indicates that this missense variant is not expected to disrupt FBN1 protein function with a negative predictive value of 95%. In summary, the available evidence is currently insufficient to determine the role of this variant in disease. Therefore, it has been classified as a Variant of Uncertain Significance.

All of Us Research Program, National Institutes of Health
Classification: Uncertain significance for Marfan syndrome. Last evaluated: 2024-08-06. Review status: criteria provided, single submitter. Criteria: ACMG Guidelines, 2015. Collection method: clinical testing. Allele origin: germline. Inheritance: Autosomal dominant inheritance. Observed: 2 variant alleles, 2 heterozygotes.
Comment: This missense variant replaces glycine with alanine at codon 301 of the FBN1 protein. Computational prediction suggests that this variant may not impact protein structure and function (internally defined REVEL score threshold <= 0.5, PMID: 27666373). To our knowledge, functional studies have not been reported for this variant. This variant has not been reported in individuals affected with FBN1-related disorders in the literature. This variant has not been identified in the general population by the Genome Aggregation Database (gnomAD). The available evidence is insufficient to determine the role of this variant in disease conclusively. Therefore, this variant is classified as a Variant of Uncertain Significance.

This study involves interpretation of variants in research participants for the purpose of population health screening. Participant phenotype was not available at the time of variant classification. Additional details can be found in publication PMID: 35346344, PMCID: PMC8962531

NM_000138.5(FBN1):c.902G>C (p.Gly301Ala)

Gene: FBN1 (fibrillin 1; minus strand). Cytogenetic location: 15q21.1.
Variant type: single nucleotide variant.
Coding change: c.902G>C on transcript NM_000138.5 (MANE Select); coding-DNA position 902, G replaced by C.
Protein change: p.Gly301Ala; replaces glycine 301 with alanine.
Molecular consequence: missense variant.
Genome position (GRCh38, 1-based): chr15:48,526,216, C>G on the plus strand (G>C on the coding strand, the complement: FBN1 is on the minus strand). VCF-style: chr15-48526216-C-G. GRCh37 (hg19) VCF-style: chr15-48818413-C-G.
Other names: short protein forms G301A.
Identifiers: ClinVar variation 1373031 (VCV001373031.8), dbSNP rs142888621, ClinGen allele CA392350341.